The following is an entry in ClinVar:

NM_001458.5(FLNC):c.8069G>A (p.Arg2690Gln)

Genes: FLNC (filamin C; plus strand), FLNC-AS1 (FLNC antisense RNA 1; minus strand). Cytogenetic location: 7q32.1.
Variant type: single nucleotide variant.
Coding change: c.8069G>A on transcript NM_001458.5 (MANE Select); coding-DNA position 8069, G replaced by A.
Protein change: p.Arg2690Gln; replaces arginine 2690 with glutamine.
Molecular consequence: missense variant.
Genome position (GRCh38, 1-based): chr7:128,858,414, G>A. VCF-style: chr7-128858414-G-A. GRCh37 (hg19) VCF-style: chr7-128498468-G-A.
Other names: c.7970G>A, p.Arg2657Gln (NM_001127487.2); short protein forms R2690Q, R2657Q.
Identifiers: ClinVar variation 647419 (VCV000647419.13), dbSNP rs1585173273, ClinGen allele CA369221560.
Genomic context (GRCh38, chr7:128,858,414, plus strand): 5'-TGGGCGTGCACGGCCCCAAGACCCCCTGTGAGGAGGTGTACGTGAAGCACATGGGGAACC[G>A]GGTGTACAATGTCACCTACACTGTCAAGGAGAAAGGGGACTACATCCTCATTGTCAAGTG-3'
Protein context (NP_001449.3, residues 2680-2700): EEVYVKHMGN[Arg2690Gln]VYNVTYTVKE

ClinVar aggregate classification (germline): Uncertain significance. Review status: criteria provided, multiple submitters, no conflicts (2 of 4 stars). 5 submissions from 5 submitters: Uncertain significance (5). Last evaluated 2024-09-06.

Conditions:
Myofibrillar myopathy 5. Also called: FILAMINOPATHY, AUTOSOMAL DOMINANT; Filaminopathy (type). Identifiers: Orphanet 171445, MedGen C1836050, MONDO:0012289, OMIM 609524.
Hypertrophic cardiomyopathy 26. Also called: Cardiomyopathy, familial hypertrophic, 26. Identifiers: Orphanet 75249, MedGen C4310749, MONDO:0014883, OMIM 617047.
Distal myopathy with posterior leg and anterior hand involvement. Also called: WILLIAMS DISTAL MYOPATHY. Identifiers: Orphanet 63273, MedGen C3279722, MONDO:0013550, OMIM 614065.
Dilated Cardiomyopathy, Dominant.
Cardiovascular phenotype. Identifiers: MedGen CN230736.

Allele frequency attached by ClinVar (database versions not stated): TOPMed below 0.00001.

Submissions (5):

Labcorp Genetics (formerly Invitae), Labcorp
Classification: Uncertain significance for Distal myopathy with posterior leg and anterior hand involvement; Myofibrillar myopathy 5; Hypertrophic cardiomyopathy 26. Last evaluated: 2024-09-06. Review status: criteria provided, single submitter. Criteria: Invitae Variant Classification Sherloc (09022015). Collection method: clinical testing. Allele origin: germline.
Comment: This sequence change replaces arginine, which is basic and polar, with glutamine, which is neutral and polar, at codon 2690 of the FLNC protein (p.Arg2690Gln). This variant is not present in population databases (gnomAD no frequency). This variant has not been reported in the literature in individuals affected with FLNC-related conditions. ClinVar contains an entry for this variant (Variation ID: 647419). Invitae Evidence Modeling of protein sequence and biophysical properties (such as structural, functional, and spatial information, amino acid conservation, physicochemical variation, residue mobility, and thermodynamic stability) indicates that this missense variant is not expected to disrupt FLNC protein function with a negative predictive value of 95%. In summary, the available evidence is currently insufficient to determine the role of this variant in disease. Therefore, it has been classified as a Variant of Uncertain Significance.

Ambry Genetics
Classification: Uncertain significance for Cardiovascular phenotype. Last evaluated: 2024-07-27. Review status: criteria provided, single submitter. Criteria: Ambry Variant Classification Scheme 2023. Collection method: clinical testing. Allele origin: germline.

GeneDx
Classification: Uncertain significance. Last evaluated: 2023-07-19. Review status: criteria provided, single submitter. Criteria: GeneDx Variant Classification Process June 2021. Collection method: clinical testing. Allele origin: germline. Affected: yes.
Comment: Not observed at significant frequency in large population cohorts (gnomAD); In silico analysis supports that this missense variant does not alter protein structure/function; Has not been previously published as pathogenic or benign to our knowledge

Fulgent Genetics
Classification: Uncertain significance for Myofibrillar myopathy 5; Distal myopathy with posterior leg and anterior hand involvement; Hypertrophic cardiomyopathy 26. Last evaluated: 2022-02-10. Review status: criteria provided, single submitter. Criteria: ACMG Guidelines, 2015. Collection method: clinical testing. Allele origin: unknown.

Blueprint Genetics
Classification: Uncertain significance. Last evaluated: 2019-06-08. Review status: criteria provided, single submitter. Criteria: ACMG Guidelines, 2015. Collection method: clinical testing. Allele origin: germline.